The following is an entry in ClinVar:

NM_001754.5(RUNX1):c.1191A>T (p.Gln397His)

Gene: RUNX1 (RUNX family transcription factor 1; minus strand). Cytogenetic location: 21q22.12.
Variant type: single nucleotide variant.
Coding change: c.1191A>T on transcript NM_001754.5 (MANE Select); coding-DNA position 1191, A replaced by T.
Protein change: p.Gln397His; replaces glutamine 397 with histidine.
Molecular consequence: missense variant.
Genome position (GRCh38, 1-based): chr21:34,792,387, T>A on the plus strand (A>T on the coding strand, the complement: RUNX1 is on the minus strand). VCF-style: chr21-34792387-T-A. GRCh37 (hg19) VCF-style: chr21-36164684-T-A.
Other names: NM_001754.5(RUNX1):c.1191A>T; p.Gln397His; c.1110A>T, p.Gln370His (NM_001001890.3); c.1191A>T (NM_001754.4); short protein forms Q370H, Q397H.
Identifiers: ClinVar variation 1035236 (VCV001035236.11), dbSNP rs1176713877, ClinGen allele CA410147814.
Genomic context (GRCh38, chr21:34,792,387, plus strand): 5'-GGAGAACTGGTAGGAGCCGGCCGAGGCGCCGTAGTACAGGTGGTAGGAGGGCGAGCTGGC[T>A]TGGAACGGGCCTCCCTGCGCTTGCGACGAGCCGGGGTAGGGCGGCGGCAGGTAGGTGTGG-3'
Protein context (NP_001745.2, residues 387-407): GSSQAQGGPF[Gln397His]ASSPSYHLYY

ClinVar aggregate classification (germline): Uncertain significance. Review status: reviewed by expert panel (3 of 4 stars). 4 submissions from 4 submitters: Uncertain significance (1). 3 of the submissions do not count toward it. Last evaluated 2024-08-12.

Conditions:
Hereditary thrombocytopenia and hematologic cancer predisposition syndrome. Identifiers: Orphanet 71290, MedGen CN281654, MONDO:0011071.
Hereditary thrombocytopenia and hematological cancer predisposition syndrome associated with RUNX1. Also called: Familial Platelet Disorder with Propensity to Acute Myelogenous Leukemia; Familial thrombocytopenia with propensity to acute myelogenous leukemia; PLATELET DISORDER, ASPIRIN-LIKE; RUNX1 Familial Platelet Disorder with Associated Myeloid Malignancies. Identifiers: Orphanet 71290, MedGen C1832388, MeSH C563324, MONDO:0100083, OMIM 601399.
Inborn genetic diseases. Identifiers: MedGen C0950123, MeSH D030342.
Acute myeloid leukemia (AML). Also called: Acute myeloid leukemia, adult; AML adult; Acute non-lymphocytic leukemia; Acute granulocytic leukemia; Leukemia, acute myelogenous, somatic; Leukemia, acute myeloid, somatic. Identifiers: Orphanet 519, MedGen C0023467, MeSH D015470, MONDO:0018874, OMIM 601626, HP:0004808. Disease mechanism: Constitutively activated FLT3.

Allele frequency attached by ClinVar (database versions not stated): TOPMed below 0.00001.
gnomAD v4.1: 3 of 1,564,024 alleles (0.00019%); highest among the groups gnomAD compares: Non-Finnish European, 0.00026%; no homozygotes.

Submissions (4):

ClinGen Myeloid Malignancy Variant Curation Expert Panel
Classification: Uncertain significance for Hereditary thrombocytopenia and hematologic cancer predisposition syndrome. Last evaluated: 2024-08-12. Review status: reviewed by expert panel. Criteria: ClinGen MyeloMalig ACMG Specifications v2. Collection method: curation. Allele origin: germline. Inheritance: Autosomal dominant inheritance.
Comment: NM_001754.5(RUNX1):c.1191A>T (p.Gln397His) is a missense variant which is absent from gnomAD v2 and v3 (PM2_Supporting). The computational predictor REVEL gives a score of 0.323, and the splice site predictor SpliceAI indicated no impact on splicing, evidence that does not predict a damaging effect on RUNX1 function (BP4). In summary, this variant meets the criteria to be classified as a VUS for autosomal dominant hereditary thrombocytopenia and hematologic cancer predisposition syndrome based on the ACMG/AMP criteria applied, as specified by the ClinGen Myeloid Malignancy VCEP: PM2_Supporting and BP4.

Ambry Genetics
Classification: Uncertain significance for Inborn genetic diseases. Last evaluated: 2024-12-19. Review status: criteria provided, single submitter. Criteria: Ambry Variant Classification Scheme 2023. Collection method: clinical testing. Allele origin: germline. Not counted in ClinVar's aggregate classification.
Comment: The p.Q397H variant (also known as c.1191A>T), located in coding exon 8 of the RUNX1 gene, results from an A to T substitution at nucleotide position 1191. The glutamine at codon 397 is replaced by histidine, an amino acid with highly similar properties. This amino acid position is conserved. In addition, the in silico prediction for this alteration is inconclusive. Based on the available evidence, the clinical significance of this variant remains unclear.

Baylor Genetics
Classification: Uncertain significance for Acute myeloid leukemia. Last evaluated: 2023-09-06. Review status: criteria provided, single submitter. Criteria: ACMG Guidelines, 2015. Collection method: clinical testing. Allele origin: unknown. Not counted in ClinVar's aggregate classification.

Labcorp Genetics (formerly Invitae), Labcorp
Classification: Uncertain significance for Hereditary thrombocytopenia and hematological cancer predisposition syndrome associated with RUNX1. Last evaluated: 2022-11-09. Review status: criteria provided, single submitter. Criteria: Invitae Variant Classification Sherloc (09022015). Collection method: clinical testing. Allele origin: germline. Not counted in ClinVar's aggregate classification.
Comment: This variant has not been reported in the literature in individuals affected with RUNX1-related conditions. In summary, the available evidence is currently insufficient to determine the role of this variant in disease. Therefore, it has been classified as a Variant of Uncertain Significance. Advanced modeling of protein sequence and biophysical properties (such as structural, functional, and spatial information, amino acid conservation, physicochemical variation, residue mobility, and thermodynamic stability) performed at Invitae indicates that this missense variant is not expected to disrupt RUNX1 protein function. ClinVar contains an entry for this variant (Variation ID: 1035236). This variant is not present in population databases (gnomAD no frequency). This sequence change replaces glutamine, which is neutral and polar, with histidine, which is basic and polar, at codon 397 of the RUNX1 protein (p.Gln397His).